The following is an entry in ClinVar:

ClinVar aggregate classification (germline): Likely pathogenic (1 of 4 stars; one submission).

Conditions:
Argininosuccinate lyase deficiency. Also called: ARGININOSUCCINIC ACID LYASE DEFICIENCY; ASL DEFICIENCY; Argininosuccinic aciduria. Identifiers: Orphanet 23, MedGen C0268547, MONDO:0008815, OMIM 207900, HP:0025630.

Submission:

Labcorp Genetics (formerly Invitae), Labcorp
Classification: Likely pathogenic for Argininosuccinate lyase deficiency. Last evaluated: 2019-02-06. Review status: criteria provided, single submitter. Criteria: Invitae Variant Classification Sherloc (09022015). Collection method: clinical testing. Allele origin: germline.
Comment: This variant results in a copy number gain of the genomic region encompassing exons 15-17 of the ASL gene. The 5' boundary is likely confined to intron 14. The 3' end of this event is unknown as it extends beyond the assayed region for this gene and therefore may encompass additional genes. As the precise location of this event is unknown, it may be in tandem or it may be located elsewhere in the genome. In summary, the currently available evidence indicates that the variant is pathogenic, but additional data are needed to prove that conclusively. Therefore, this variant has been classified as Likely Pathogenic.

NC_000007.13:g.(?_65556973)_(65557919_?)dup

Gene: ASL (argininosuccinate lyase; plus strand). Cytogenetic location: 7q11.21.
Variant type: Duplication.
Identifiers: ClinVar variation 640447 (VCV000640447.2).